The following is an entry in ClinVar:

ClinVar aggregate classification (germline): Conflicting classifications of pathogenicity. Review status: criteria provided, conflicting classifications (1 of 4 stars). 3 submissions from 3 submitters: Uncertain significance (2); Likely benign (1). Last evaluated 2024-12-08.

Conditions:
Hereditary breast ovarian cancer syndrome. Also called: Hereditary breast and ovarian cancer syndrome (HBOC); BRCA1- and BRCA2-Associated Hereditary Breast and Ovarian Cancer; Hereditary breast and/or ovarian cancer syndrome; Hereditary breast and ovarian cancer syndrome; Hereditary breast and ovarian cancer; Breast and ovarian cancer. Identifiers: Orphanet 145, MedGen C0677776, MeSH D061325, MONDO:0003582. Disease mechanism: loss of function.
Hereditary cancer-predisposing syndrome. Also called: Neoplastic Syndromes, Hereditary; Hereditary neoplastic syndrome; Tumor predisposition; Hereditary Cancer Syndrome. Identifiers: Orphanet 140162, MedGen C0027672, MeSH D009386, MONDO:0015356.
Breast-ovarian cancer, familial, susceptibility to, 1 (BROVCA1). Also called: BRCA1 Hereditary Breast and Ovarian Cancer; OVARIAN CANCER, SUSCEPTIBILITY TO. Identifiers: Orphanet 145, MedGen C2676676, MONDO:0011450, OMIM 604370. Disease mechanism: loss of function.

Allele frequency attached by ClinVar (database versions not stated): gnomAD exomes below 0.00001.
gnomAD v4.1: 1 of 1,614,076 alleles (0.000062%); highest among the groups gnomAD compares: East Asian, 0.0022%; no homozygotes.

Submissions (4):

Ambry Genetics
Classification: Uncertain significance for Hereditary cancer-predisposing syndrome. Last evaluated: 2024-12-08. Review status: criteria provided, single submitter. Criteria: Ambry Variant Classification Scheme 2023. Collection method: clinical testing. Allele origin: germline.
Comment: The p.F1772C variant (also known as c.5315T>G), located in coding exon 19 of the BRCA1 gene, results from a T to G substitution at nucleotide position 5315. The phenylalanine at codon 1772 is replaced by cysteine, an amino acid with highly dissimilar properties. One functional study found that this nucleotide substitution is functional in a high throughput genome editing haploid cell survival assay (Findlay GM et al. Nature, 2018 Oct;562:217-222). This amino acid position is highly conserved in available vertebrate species. In addition, this alteration is predicted to be deleterious by in silico analysis. Based on the available evidence, the clinical significance of this variant remains unclear.

Myriad Genetics, Inc.
Classification: Likely benign for Breast-ovarian cancer, familial, susceptibility to, 1. Last evaluated: 2023-02-16. Review status: criteria provided, single submitter. Criteria: Myriad Autosomal Dominant, Autosomal Recessive and X-Linked Classification Criteria (2023). Collection method: clinical testing. Allele origin: unknown.
Comment: This variant is considered likely benign. Homozygosity has been confirmed in one or more individuals. As homozygosity for pathogenic variants in this gene is generally assumed to result in embryonic lethality, this variant is unlikely to be pathogenic.

Labcorp Genetics (formerly Invitae), Labcorp
Classification: Uncertain significance for Hereditary breast ovarian cancer syndrome. Last evaluated: 2017-04-10. Review status: criteria provided, single submitter. Criteria: Invitae Variant Classification Sherloc (09022015). Collection method: clinical testing. Allele origin: germline.
Comment: In summary, this variant is a novel missense change with uncertain impact on protein function. It has been classified as a Variant of Uncertain Significance. Algorithms developed to predict the effect of missense changes on protein structure and function (SIFT, PolyPhen-2, Align-GVGD) all suggest that this variant is likely to be disruptive, but these predictions have not been confirmed by published functional studies. This variant is not present in population databases (ExAC no frequency) and has not been reported in the literature in individuals with a BRCA1-related disease. This sequence change replaces phenylalanine with cysteine at codon 1772 of the BRCA1 protein (p.Phe1772Cys). The phenylalanine residue is highly conserved and there is a large physicochemical difference between phenylalanine and cysteine.

Brotman Baty Institute, University of Washington
No classification provided (evidence only). Condition: Breast-ovarian cancer, familial 1. Review status: no classification provided. Collection method: in vitro. Allele origin: not applicable. Functional consequence: functionally_normal. Not counted in ClinVar's aggregate classification.
ClinVar note: "not provided" was previously submitted as the classification for the variant. However, the classification appeared to be based only on an observation of functional data so it was converted to no classification on 2025-07-30.

Literature cited by the submitters: PubMed 30209399 (cited by Ambry Genetics).

NM_007294.4(BRCA1):c.5315T>G (p.Phe1772Cys)

Gene: BRCA1 (BRCA1 DNA repair associated; minus strand). Cytogenetic location: 17q21.31.
Variant type: single nucleotide variant.
Coding change: c.5315T>G on transcript NM_007294.4 (MANE Select); coding-DNA position 5315, T replaced by G.
Protein change: p.Phe1772Cys; replaces phenylalanine 1772 with cysteine.
Molecular consequence: missense variant. On other transcripts: non-coding transcript variant (1).
Genome position (GRCh38, 1-based): chr17:43,051,080, A>C on the plus strand (T>G on the coding strand, the complement: BRCA1 is on the minus strand). VCF-style: chr17-43051080-A-C. GRCh37 (hg19) VCF-style: chr17-41203097-A-C.
Other names: c.5102T>G, p.Phe1701Cys (NM_001407571.1, NM_001407898.1, NM_001407899.1 and 12 more transcripts); c.5381T>G, p.Phe1794Cys (NM_001407581.1, NM_001407582.1); c.5378T>G, p.Phe1793Cys (NM_001407583.1, NM_001407585.1, NM_001407587.1 and 1 more transcripts); c.5375T>G, p.Phe1792Cys (NM_001407590.1, NM_001407591.1); c.5315T>G, p.Phe1772Cys (NM_001407593.1, NM_001407594.1, NM_001407596.1 and 6 more transcripts); c.5312T>G, p.Phe1771Cys (NM_001407610.1, NM_001407611.1, NM_001407612.1 and 17 more transcripts); c.5309T>G, p.Phe1770Cys (NM_001407627.1, NM_001407628.1, NM_001407629.1 and 14 more transcripts); c.5303T>G, p.Phe1768Cys (NM_001407646.1); and 72 more; short protein forms F1772C, F1725C, F1793C, F668C, F1618C, F1645C, F1661C, F1683C.
Identifiers: ClinVar variation 462669 (VCV000462669.14), dbSNP rs1555575700, ClinGen allele CA10590920.